The following is an entry in ClinVar:

ClinVar aggregate classification (germline): Uncertain significance (1 of 4 stars; one submission).

Conditions:
ABCB4-related disorder. Also called: ABCB4-related disorders; ABCB4-related condition.

Submission:

PreventionGenetics, part of Exact Sciences
Classification: Uncertain significance for ABCB4-related condition. Last evaluated: 2025-02-06. Review status: criteria provided, single submitter. Criteria: ACMG Guidelines, 2015. Collection method: clinical testing. Allele origin: germline.
Comment: The ABCB4 c.625G>A variant is predicted to result in the amino acid substitution p.Gly209Arg. To our knowledge, this variant has not been reported in the literature or in a large population database (gnomAD), indicating this variant is rare. At this time, the clinical significance of this variant is uncertain due to the absence of conclusive functional and genetic evidence.

NM_000443.4(ABCB4):c.625G>A (p.Gly209Arg)

Gene: ABCB4 (ATP binding cassette subfamily B member 4; minus strand). Cytogenetic location: 7q21.12.
Variant type: single nucleotide variant.
Coding change: c.625G>A on transcript NM_000443.4 (MANE Select); coding-DNA position 625, G replaced by A.
Protein change: p.Gly209Arg; replaces glycine 209 with arginine.
Molecular consequence: missense variant.
Genome position (GRCh38, 1-based): chr7:87,451,706, C>T on the plus strand (G>A on the coding strand, the complement: ABCB4 is on the minus strand). VCF-style: chr7-87451706-C-T. GRCh37 (hg19) VCF-style: chr7-87081022-C-T.
Other names: c.625G>A, p.Gly209Arg (NM_018849.3, NM_018850.3); short protein forms G209R.
Identifiers: ClinVar variation 4997846 (VCV004997846.1).